The following is an entry in ClinVar:

NM_001034853.2(RPGR):c.2659_2662del (p.Gly887fs)

Gene: RPGR (retinitis pigmentosa GTPase regulator; minus strand). Cytogenetic location: Xp11.4.
Variant type: Microsatellite.
Coding change: c.2659_2662del on transcript NM_001034853.2 (MANE Select); coding-DNA positions 2659 to 2662, 4 bases deleted (GGAG; older notation c.2659_2662delGGAG).
Protein change: p.Gly887fs; shifts the reading frame from glycine 887.
Molecular consequence: frameshift variant. On other transcripts: intron variant (8).
Genome position (GRCh38, 1-based): chrX:38,286,337-38,286,340, CTCC deleted on the plus strand (GGAG on the coding strand, the reverse complement: RPGR is on the minus strand); deleting any 4 consecutive bases within chrX:38,286,337-38,286,345 gives the same sequence; the c. name uses the placement nearest the transcript's 3' end. VCF-style (leftmost placement, unchanged base first): chrX-38286336-TCTCC-T. GRCh37 (hg19) VCF-style: chrX-38145589-TCTCC-T.
Other names: NM_001034853.2:c.2659_2662del; c.1569+4619_1569+4622del (NM_001367249.1, NM_001367250.1); c.1902+754_1902+757del (NM_001367245.1); c.1386+4619_1386+4622del (NM_001367251.1); c.1719+754_1719+757del (NM_001367246.1); c.1572+4619_1572+4622del (NM_001367247.1); c.1905+754_1905+757del (NM_000328.3); c.1602+4619_1602+4622del (NM_001367248.1); short protein forms G887fs.
Identifiers: ClinVar variation 4082166 (VCV004082166.1).
Genomic context (GRCh38, chrX:38,286,336, plus strand): 5'-CCTTCCTCTTCTCCCTCCCCTTCTCCTTCCTCCTCTTCTCCCTCCCCTTCTCCTTCCTCT[TCTCC>T]CTCCCCTTCTCCTTCCTCCTCTTCCCCCTCCCCTTCTCCTTCCTCCCCTTCTTCCTCCCC-3'

ClinVar aggregate classification (germline): Pathogenic (3 of 4 stars; one submission).

Conditions:
RPGR-related retinopathy. Also called: RPGR retinopathy. Identifiers: MedGen CN305589, MONDO:0100437.

Submission:

ClinGen X-linked Inherited Retinal Disease Variant Curation Expert Panel, ClinGen
Classification: Pathogenic for RPGR-related retinopathy. Last evaluated: 2025-09-07. Review status: reviewed by expert panel. Criteria: ClinGen X LinkedIRD ACMG Specifications RPGR V1.0.0. Collection method: curation. Allele origin: germline. Inheritance: X-linked inheritance.
Comment: NM_001034853.2(RPGR):c.2659_2662del (p.Gly887LysfsTer?) is a frameshift variant due to a 4-nucleotide deletion introducing a premature stop codon within exon 15 of 15, which is predicted to disrupt a critical C-terminal region required for proper glutamylation of RPGR (PVS1, PMID: 36445968). This variant is absent from gnomAD v4.1.0 (PM2_Supporting). This variant has been reported in at least 2 probands meeting one of the PS4 requirements of a male with some functional visual impairment by age 30 years and/or decreased or absent electroretinogram responses, or a female with functional visual abnormality and documentation of a male relative affected with retinitis pigmentosa (PMID: 17325176, PMID: 14564670, PMID: 38219857, PS4_Supporting). At least one proband harboring this variant exhibits a phenotype including diagnosis of X-linked retinitis pigmentosa, macular atrophy (1 pt), decreased central vision acuity (0.5 pts), and myopia (0.5 pts), which together are not sufficiently specific to meet the PP4 code for RPGR-related retinopathy (2 points, PMID: 14564670). In summary, this variant is classified as pathogenic for RPGR-related retinopathy based on the ClinGen X-linked Inherited Retinal Disease Expert Panel Specifications to the ACMG/AMP Variant Interpretation Guidelines for RPGR Version 1.0.0; PVS1, PS4_Supporting, and PM2_Supporting.